The following is an entry in ClinVar:

ClinVar aggregate classification (germline): Uncertain significance (1 of 4 stars; one submission).

Conditions:
DICER1-related tumor predisposition. Also called: DICER1 syndrome; DICER1-related pleuropulmonary blastoma cancer predisposition syndrome. Identifiers: Orphanet 284343, MedGen C3839822, MONDO:0100216.

Submission:

Labcorp Genetics (formerly Invitae), Labcorp
Classification: Uncertain significance for DICER1-related tumor predisposition. Last evaluated: 2020-06-21. Review status: criteria provided, single submitter. Criteria: Invitae Variant Classification Sherloc (09022015). Collection method: clinical testing. Allele origin: germline.
Comment: This sequence change replaces threonine with alanine at codon 96 of the DICER1 protein (p.Thr96Ala). The threonine residue is highly conserved and there is a small physicochemical difference between threonine and alanine. In summary, the available evidence is currently insufficient to determine the role of this variant in disease. Therefore, it has been classified as a Variant of Uncertain Significance. Algorithms developed to predict the effect of missense changes on protein structure and function (SIFT, PolyPhen-2, Align-GVGD) all suggest that this variant is likely to be tolerated, but these predictions have not been confirmed by published functional studies and their clinical significance is uncertain. This variant has not been reported in the literature in individuals with DICER1-related conditions. This variant is not present in population databases (ExAC no frequency).

NM_177438.3(DICER1):c.286A>G (p.Thr96Ala)

Gene: DICER1 (dicer 1, ribonuclease III; minus strand). Cytogenetic location: 14q32.13.
Variant type: single nucleotide variant.
Coding change: c.286A>G on transcript NM_177438.3 (MANE Select); coding-DNA position 286, A replaced by G.
Protein change: p.Thr96Ala; replaces threonine 96 with alanine.
Molecular consequence: missense variant.
Genome position (GRCh38, 1-based): chr14:95,132,536, T>C on the plus strand (A>G on the coding strand, the complement: DICER1 is on the minus strand). VCF-style: chr14-95132536-T-C. GRCh37 (hg19) VCF-style: chr14-95598873-T-C.
Other names: c.286A>G, p.Thr96Ala (NM_001195573.1, NM_001271282.3, NM_001291628.2 and 1 more transcripts); short protein forms T96A.
Identifiers: ClinVar variation 1038691 (VCV001038691.10), dbSNP rs1894037398, ClinGen allele CA390889671.